The following is an entry in ClinVar:

NM_001044385.3(TMEM237):c.870-8T>G

Gene: TMEM237 (transmembrane protein 237; minus strand). Cytogenetic location: 2q33.1.
Variant type: single nucleotide variant.
Coding change: c.870-8T>G on transcript NM_001044385.3 (MANE Select); 8 bases into the intron before coding-DNA position 870, T replaced by G.
Molecular consequence: intron variant.
Genome position (GRCh38, 1-based): chr2:201,628,157, A>C on the plus strand (T>G on the coding strand, the complement: TMEM237 is on the minus strand). VCF-style: chr2-201628157-A-C. GRCh37 (hg19) VCF-style: chr2-202492880-A-C.
Other names: c.846-8T>G (NM_152388.4).
Identifiers: ClinVar variation 1489902 (VCV001489902.3), dbSNP rs2105898458, ClinGen allele CA2573134335.

ClinVar aggregate classification (germline): Uncertain significance (1 of 4 stars; one submission).

Conditions:
Joubert syndrome 14 (JBTS14). Identifiers: MedGen C3280766, MONDO:0013745, OMIM 614424.

Submission:

Labcorp Genetics (formerly Invitae), Labcorp
Classification: Uncertain significance for Joubert syndrome 14. Last evaluated: 2021-10-27. Review status: criteria provided, single submitter. Criteria: Invitae Variant Classification Sherloc (09022015). Collection method: clinical testing. Allele origin: germline.
Comment: This sequence change falls in intron 9 of the TMEM237 gene. It does not directly change the encoded amino acid sequence of the TMEM237 protein. This variant is not present in population databases (gnomAD no frequency). This variant has not been reported in the literature in individuals affected with TMEM237-related conditions. Algorithms developed to predict the effect of sequence changes on RNA splicing suggest that this variant may disrupt the consensus splice site. In summary, the available evidence is currently insufficient to determine the role of this variant in disease. Therefore, it has been classified as a Variant of Uncertain Significance.